The following is an entry in ClinVar:

ClinVar aggregate classification (germline): Uncertain significance. Review status: criteria provided, multiple submitters, no conflicts (2 of 4 stars). 2 submissions from 2 submitters: Uncertain significance (2). Last evaluated 2022-08-18.

Conditions:
Brown-Vialetto-van Laere syndrome 1. Also called: BROWN-VIALETTO-VAN LAERE SYNDROME 1, MILD; BULBAR PALSY, PROGRESSIVE, WITH SENSORINEURAL DEAFNESS; PONTOBULBAR PALSY WITH DEAFNESS. Identifiers: Orphanet 572550, Orphanet 97229, MedGen C0796274, MONDO:0024537, OMIM 211530.

Allele frequency attached by ClinVar (database versions not stated): gnomAD exomes 0.00001 and 0.00002; gnomAD 0.00009 and 0.00007; TOPMed 0.00007; ExAC 0.00001.
gnomAD v4.1: 30 of 1,614,062 alleles (0.0019%); highest among the groups gnomAD compares: African/African-American, 0.016%; no homozygotes.

Submissions (2):

Labcorp Genetics (formerly Invitae), Labcorp
Classification: Uncertain significance for Brown-Vialetto-van Laere syndrome 1. Last evaluated: 2022-08-18. Review status: criteria provided, single submitter. Criteria: Invitae Variant Classification Sherloc (09022015). Collection method: clinical testing. Allele origin: germline.
Comment: This sequence change replaces arginine, which is basic and polar, with glutamine, which is neutral and polar, at codon 268 of the SLC52A3 protein (p.Arg268Gln). This variant is present in population databases (rs111912321, gnomAD 0.02%). This variant has not been reported in the literature in individuals affected with SLC52A3-related conditions. ClinVar contains an entry for this variant (Variation ID: 648925). Algorithms developed to predict the effect of missense changes on protein structure and function output the following: SIFT: "Tolerated"; PolyPhen-2: "Benign"; Align-GVGD: "Class C0". The glutamine amino acid residue is found in multiple mammalian species, which suggests that this missense change does not adversely affect protein function. Algorithms developed to predict the effect of sequence changes on RNA splicing suggest that this variant may create or strengthen a splice site. In summary, the available evidence is currently insufficient to determine the role of this variant in disease. Therefore, it has been classified as a Variant of Uncertain Significance.

GeneDx
Classification: Uncertain significance. Last evaluated: 2021-06-15. Review status: criteria provided, single submitter. Criteria: GeneDx Variant Classification Process June 2021. Collection method: clinical testing. Allele origin: germline. Affected: yes.
Comment: This variant is associated with the following publications: (PMID: 27535533, 23506902)

NM_033409.4(SLC52A3):c.803G>A (p.Arg268Gln)

Gene: SLC52A3 (solute carrier family 52 member 3; minus strand). Cytogenetic location: 20p13.
Variant type: single nucleotide variant.
Coding change: c.803G>A on transcript NM_033409.4 (MANE Select); coding-DNA position 803, G replaced by A.
Protein change: p.Arg268Gln; replaces arginine 268 with glutamine.
Molecular consequence: missense variant.
Genome position (GRCh38, 1-based): chr20:763,768, C>T on the plus strand (G>A on the coding strand, the complement: SLC52A3 is on the minus strand). VCF-style: chr20-763768-C-T. GRCh37 (hg19) VCF-style: chr20-744412-C-T.
Other names: c.803G>A, p.Arg268Gln (NM_001370085.1, NM_001370086.1); short protein forms R268Q.
Identifiers: ClinVar variation 648925 (VCV000648925.5), dbSNP rs111912321, ClinGen allele CA9724676.
Genomic context (GRCh38, chr20:763,768, plus strand): 5'-AGATACCCCTGGCCCTGGCTGCTGTCCACCGTGCCTGCAGGGCCCAAGTCATTCTCTTCC[C>T]GCGGCCGGATGGAGTGGAGGGTGACCTGGTCATTGAGGAGGTCTTCCACGGAAGCCTCCC-3'
Protein context (NP_212134.3, residues 258-278): DQVTLHSIRP[Arg268Gln]EENDLGPAGT